The following is an entry in ClinVar:

ClinVar aggregate classification (germline): Pathogenic. Review status: reviewed by expert panel (3 of 4 stars). 7 submissions from 7 submitters: Pathogenic (1). 6 of the submissions do not count toward it. Last evaluated 2016-10-18.

Conditions:
Hereditary cancer-predisposing syndrome. Also called: Hereditary Cancer Syndrome; Neoplastic Syndromes, Hereditary; Hereditary neoplastic syndrome; Tumor predisposition. Identifiers: Orphanet 140162, MedGen C0027672, MeSH D009386, MONDO:0015356.
Hereditary breast ovarian cancer syndrome. Also called: Hereditary breast and ovarian cancer syndrome (HBOC); Breast and ovarian cancer; Hereditary breast and ovarian cancer syndrome; Hereditary breast and ovarian cancer; BRCA1- and BRCA2-Associated Hereditary Breast and Ovarian Cancer; Hereditary breast and/or ovarian cancer syndrome. Identifiers: Orphanet 145, MedGen C0677776, MeSH D061325, MONDO:0003582. Disease mechanism: loss of function.
Breast-ovarian cancer, familial, susceptibility to, 1 (BROVCA1). Also called: BRCA1 Hereditary Breast and Ovarian Cancer; OVARIAN CANCER, SUSCEPTIBILITY TO. Identifiers: Orphanet 145, MedGen C2676676, MONDO:0011450, OMIM 604370. Disease mechanism: loss of function.

Submissions (7):

Evidence-based Network for the Interpretation of Germline Mutant Alleles (ENIGMA)
Classification: Pathogenic for Breast-ovarian cancer, familial, susceptibility to, 1. Last evaluated: 2016-10-18. Review status: reviewed by expert panel. Criteria: ENIGMA BRCA1/2 Classification Criteria (2015). Collection method: curation. Allele origin: germline.
Comment: Variant allele predicted to encode a truncated non-functional protein.

Labcorp Genetics (formerly Invitae), Labcorp
Classification: Pathogenic for Hereditary breast ovarian cancer syndrome. Last evaluated: 2024-02-01. Review status: criteria provided, single submitter. Criteria: Invitae Variant Classification Sherloc (09022015). Collection method: clinical testing. Allele origin: germline. Not counted in ClinVar's aggregate classification.
Comment: This sequence change creates a premature translational stop signal (p.Cys903*) in the BRCA1 gene. It is expected to result in an absent or disrupted protein product. Loss-of-function variants in BRCA1 are known to be pathogenic (PMID: 20104584). This variant is not present in population databases (gnomAD no frequency). This premature translational stop signal has been observed in individual(s) with a personal and/or family history of breast or ovarian cancer (PMID: 24549055). ClinVar contains an entry for this variant (Variation ID: 266296). For these reasons, this variant has been classified as Pathogenic.

Revvity Omics, Revvity
Classification: Likely pathogenic. Last evaluated: 2022-09-29. Review status: criteria provided, single submitter. Criteria: ACMG Guidelines, 2015. Collection method: clinical testing. Allele origin: germline. Not counted in ClinVar's aggregate classification.

Ambry Genetics
Classification: Pathogenic for Hereditary cancer-predisposing syndrome. Last evaluated: 2021-06-23. Review status: criteria provided, single submitter. Criteria: Ambry Variant Classification Scheme 2023. Collection method: clinical testing. Allele origin: germline. Not counted in ClinVar's aggregate classification.
Comment: The c.2709_2710delTG pathogenic mutation, located in coding exon 9 of the BRCA1 gene, results from a deletion of two nucleotides at nucleotide positions 2709 to 2710, causing a translational frameshift with a predicted alternate stop codon (p.C903*). This mutation has been identified heterozygous in an HBOC cohort and homozygous in an individual who presented with a Fanconi anemia-like phenotype (Lecarpentier J et al. Breast Cancer Res, 2012 Jul;14:R99; Freire BL et al. Eur J Med Genet, 2018 Mar;61:130-133). In addition, this alteration is expected to result in loss of function by premature protein truncation or nonsense-mediated mRNA decay. As such, this alteration is interpreted as a disease-causing mutation.

Quest Diagnostics Nichols Institute San Juan Capistrano
Classification: Pathogenic. Last evaluated: 2018-06-15. Review status: criteria provided, single submitter. Criteria: Quest Diagnostics criteria. Collection method: clinical testing. Allele origin: germline. Not counted in ClinVar's aggregate classification.

GeneDx
Classification: Pathogenic. Last evaluated: 2018-01-31. Review status: criteria provided, single submitter. Criteria: GeneDx Variant Classification (06012015). Collection method: clinical testing. Allele origin: germline. Affected: yes. Not counted in ClinVar's aggregate classification.
Comment: This variant is denoted BRCA1 c.2709_2710delTG at the cDNA level and p.Cys903Ter (C903X) at the protein level. The substitution creates a nonsense variant, which changes a Cysteine to a premature stop codon (TGT>TGA), and is predicted to cause loss of normal protein function through either protein truncation or nonsense-mediated mRNA decay. This variant has been reported in at least one family with hereditary risk for breast cancer (Lecarpentier 2012) and is considered pathogenic.

Consortium of Investigators of Modifiers of BRCA1/2 (CIMBA), c/o University of Cambridge
Classification: Pathogenic for Breast-ovarian cancer, familial, susceptibility to, 1. Last evaluated: 2015-10-02. Review status: criteria provided, single submitter. Criteria: CIMBA Mutation Classification guidelines May 2016. Collection method: clinical testing. Allele origin: germline. Not counted in ClinVar's aggregate classification.

Literature cited by the submitters: PubMed 20104584 (cited by Labcorp Genetics (formerly Invitae), Labcorp); PubMed 24549055 (cited by Labcorp Genetics (formerly Invitae), Labcorp); PubMed 22762150 (cited by Ambry Genetics); PubMed 29133208 (cited by Ambry Genetics).

NM_007294.4(BRCA1):c.2709_2710del (p.Cys903_Glu904delinsTer)

Gene: BRCA1 (BRCA1 DNA repair associated; minus strand). Cytogenetic location: 17q21.31.
Variant type: Microsatellite.
Coding change: c.2709_2710del on transcript NM_007294.4 (MANE Select); coding-DNA positions 2709 to 2710, 2 bases deleted (TG; older notation c.2709_2710delTG).
Protein change: p.Cys903_Glu904delinsTer.
Molecular consequence: nonsense. On other transcripts: frameshift variant (1), intron variant (137).
Genome position (GRCh38, 1-based): chr17:43,092,821-43,092,822, CA deleted on the plus strand (TG on the coding strand, the reverse complement: BRCA1 is on the minus strand); deleting any 2 consecutive bases within chr17:43,092,821-43,092,824 gives the same sequence; the c. name uses the placement nearest the transcript's 3' end. VCF-style (leftmost placement, unchanged base first): chr17-43092820-TCA-T. GRCh37 (hg19) VCF-style: chr17-41244837-TCA-T.
Other names: 2828_2829delTG; c.2709_2710delTG (NM_007294.3); c.644-1790_644-1789del (NM_001408463.1, NM_001408462.1, NM_001408470.1 and 3 more transcripts); c.524-1790_524-1789del (NM_001408499.1, NM_001408498.1, NM_001408501.1 and 3 more transcripts); c.671-1790_671-1789del (NM_001408422.1, NM_001408418.1, NM_001408423.1 and 2 more transcripts); c.707-1790_707-1789del (NM_001408416.1, NM_001408413.1); c.578-1790_578-1789del (NM_001408484.1, NM_001408478.1, NM_001408514.1 and 9 more transcripts); c.662-1790_662-1789del (NM_001408450.1, NM_001408434.1, NM_001408447.1 and 6 more transcripts); and 43 more.
Identifiers: ClinVar variation 266296 (VCV000266296.21), dbSNP rs886040065, ClinGen allele CA10589819.